The following is an entry in ClinVar:

NM_001159699.2(FHL1):c.332G>A (p.Arg111Gln)

Gene: FHL1 (four and a half LIM domains 1; plus strand). Cytogenetic location: Xq26.3.
Variant type: single nucleotide variant.
Coding change: c.332G>A on transcript NM_001159699.2 (MANE Select); coding-DNA position 332, G replaced by A.
Protein change: p.Arg111Gln; replaces arginine 111 with glutamine.
Molecular consequence: missense variant. On other transcripts: non-coding transcript variant (1).
Genome position (GRCh38, 1-based): chrX:136,207,143, G>A. VCF-style: chrX-136207143-G-A. GRCh37 (hg19) VCF-style: chrX-135289302-G-A.
Other names: c.284G>A (NM_001159702.2); c.284G>A, p.Arg95Gln (NM_001159700.2, NM_001159702.3, NM_001159703.2 and 9 more transcripts); c.371G>A, p.Arg124Gln (NM_001159701.2); c.332G>A, p.Arg111Gln (NM_001330659.2); short protein forms R111Q, R124Q, R95Q.
Identifiers: ClinVar variation 2441435 (VCV002441435.6), dbSNP rs1569530369, ClinGen allele CA414608169.
Genomic context (GRCh38, chrX:136,207,143, plus strand): 5'-TGGCCAATGAGACCTTTGTGGCCAAGGACAACAAGATCCTGTGCAACAAGTGCACCACTC[G>A]GGAGGACTCCCCCAAGTGCAAGGGGTGCTTCAAGGCCATTGTGGCAGGTACTGCCTCCTT-3'
Protein context (NP_001153171.1, residues 101-121): NKILCNKCTT[Arg111Gln]EDSPKCKGCF

ClinVar aggregate classification (germline): Uncertain significance. Review status: criteria provided, multiple submitters, no conflicts (2 of 4 stars). 3 submissions from 3 submitters: Uncertain significance (3). Last evaluated 2025-05-28.

Conditions:
X-linked myopathy with postural muscle atrophy. Also called: FHL1-Related Emery-Dreifuss Muscular Dystrophy, X-Linked. Identifiers: Orphanet 178461, MedGen C2678055, MONDO:0010401, OMIM 300696.
Cardiovascular phenotype. Identifiers: MedGen CN230736.

Allele frequency attached by ClinVar (database versions not stated): gnomAD exomes below 0.00001; gnomAD 0.00001; TOPMed 0.00001.
gnomAD v4.1: 3 of 1,208,961 alleles (0.00025%); highest among the groups gnomAD compares: Non-Finnish European, 0.00034%; no homozygotes.

Submissions (3):

Labcorp Genetics (formerly Invitae), Labcorp
Classification: Uncertain significance for X-linked myopathy with postural muscle atrophy. Last evaluated: 2025-05-28. Review status: criteria provided, single submitter. Criteria: Invitae Variant Classification Sherloc (09022015). Collection method: clinical testing. Allele origin: germline.
Comment: This sequence change replaces arginine, which is basic and polar, with glutamine, which is neutral and polar, at codon 95 of the FHL1 protein (p.Arg95Gln). This variant is not present in population databases (gnomAD no frequency). This variant has not been reported in the literature in individuals affected with FHL1-related conditions. ClinVar contains an entry for this variant (Variation ID: 2441435). An algorithm developed to predict the effect of missense changes on protein structure and function (PolyPhen-2) suggests that this variant is likely to be tolerated. In summary, the available evidence is currently insufficient to determine the role of this variant in disease. Therefore, it has been classified as a Variant of Uncertain Significance.

Molecular Diagnostic Laboratory for Inherited Cardiovascular Disease, Montreal Heart Institute
Classification: Uncertain significance for Cardiovascular phenotype. Last evaluated: 2025-04-09. Review status: criteria provided, single submitter. Criteria: ACMG Guidelines, 2015. Collection method: clinical testing. Allele origin: germline. Affected: yes.

Revvity Omics, Revvity
Classification: Uncertain significance. Last evaluated: 2022-01-03. Review status: criteria provided, single submitter. Criteria: ACMG Guidelines, 2015. Collection method: clinical testing. Allele origin: germline.